The following is an entry in ClinVar:

NM_000523.4(HOXD13):c.195GGC[8] (p.Ala71_Ser72insAlaAlaAla)

Gene: HOXD13 (homeobox D13; plus strand). Cytogenetic location: 2q31.1.
Variant type: Microsatellite.
Coding change: c.195GGC[8] on transcript NM_000523.4 (MANE Select); eight copies in a row of the 3-base unit GGC starting at c.195; the reference has five copies in a row; three copies, 9 bases duplicated.
Protein change: p.Ala71_Ser72insAlaAlaAla.
Molecular consequence: inframe insertion.
Genome position (GRCh38, 1-based): chr2:176,093,091-176,093,099, GGCGGCGGC duplicated; duplicating any 9 consecutive bases within chr2:176,093,083-176,093,099 gives the same sequence; the position shown is the placement nearest the transcript's 3' end. VCF-style (leftmost placement, unchanged base first): chr2-176093082-T-TGCGGCGGCG. GRCh37 (hg19) VCF-style: chr2-176957810-T-TGCGGCGGCG.
Identifiers: ClinVar variation 2884654 (VCV002884654.4), dbSNP rs748398268, ClinGen allele CA1976532.
Genomic context (GRCh38, chr2:176,093,082, plus strand): 5'-CTCCGCGCCTGTGTTCGCCGGGACGCATTCGGGGCGGGCGGCGGCGGCGGCAGCGGCGGC[T>TGCGGCGGCG]GCGGCGGCGGCGGCGGCAGCCTCCGGCTTTGCGTACCCCGGGACCTCTGAGCGCACGGGC-3'

ClinVar aggregate classification (germline): Conflicting classifications of pathogenicity. Review status: criteria provided, conflicting classifications (1 of 4 stars). 2 submissions from 2 submitters: Uncertain significance (1); Likely benign (1). Last evaluated 2024-02-23.

Conditions:
Skeletal dysplasia. Also called: Primary bone dysplasia. Identifiers: Orphanet 364526, MedGen C0410528, MONDO:0018230, HP:0002652.

Submissions (2):

Labcorp Genetics (formerly Invitae), Labcorp
Classification: Uncertain significance. Last evaluated: 2024-02-23. Review status: criteria provided, single submitter. Criteria: Invitae Variant Classification Sherloc (09022015). Collection method: clinical testing. Allele origin: germline.
Comment: This variant, c.201_209dup, results in the insertion of 3 amino acid(s) of the HOXD13 protein (p.Ala69_Ala71dup), but otherwise preserves the integrity of the reading frame. The frequency data for this variant in the population databases is considered unreliable, as metrics indicate poor data quality at this position in the gnomAD database. This variant has not been reported in the literature in individuals affected with HOXD13-related conditions. In summary, the available evidence is currently insufficient to determine the role of this variant in disease. Therefore, it has been classified as a Variant of Uncertain Significance.

Cambridge Genomics Laboratory, East Genomic Laboratory Hub, NHS Genomic Medicine Service
Classification: Likely benign for Skeletal dysplasia. Last evaluated: 2020-04-21. Review status: criteria provided, single submitter. Criteria: ACGS Best Practice Guidelines for Variant Classification in Rare Disease 2020. Collection method: clinical testing. Allele origin: germline. Affected: yes. Observed: 1 variant allele.